The following is an entry in ClinVar:

NM_198578.4(LRRK2):c.272T>C (p.Val91Ala)

Gene: LRRK2 (leucine rich repeat kinase 2; plus strand). Cytogenetic location: 12q12.
Variant type: single nucleotide variant.
Coding change: c.272T>C on transcript NM_198578.4 (MANE Select); coding-DNA position 272, T replaced by C.
Protein change: p.Val91Ala; replaces valine 91 with alanine.
Molecular consequence: missense variant.
Genome position (GRCh38, 1-based): chr12:40,232,308, T>C. VCF-style: chr12-40232308-T-C. GRCh37 (hg19) VCF-style: chr12-40626110-T-C.
Other names: short protein forms V91A.
Identifiers: ClinVar variation 3229574 (VCV003229574.1), dbSNP rs1282399809, ClinGen allele CA384401416.

ClinVar aggregate classification (germline): Uncertain significance (1 of 4 stars; one submission).

Conditions:
Inborn genetic diseases. Identifiers: MedGen C0950123, MeSH D030342.

gnomAD v4.1: 1 of 1,614,130 alleles (0.000062%); highest among the groups gnomAD compares: Admixed American, 0.0017%; no homozygotes.

Submission:

Ambry Genetics
Classification: Uncertain significance for Inborn genetic diseases. Last evaluated: 2023-10-06. Review status: criteria provided, single submitter. Criteria: Ambry Variant Classification Scheme 2023. Collection method: clinical testing. Allele origin: germline.
Comment: The p.V91A variant (also known as c.272T>C), located in coding exon 3 of the LRRK2 gene, results from a T to C substitution at nucleotide position 272. The valine at codon 91 is replaced by alanine, an amino acid with similar properties. This amino acid position is conserved. In addition, this alteration is predicted to be tolerated by in silico analysis. Since supporting evidence is limited at this time, the clinical significance of this alteration remains unclear.